The following is an entry in ClinVar:

NM_000540.3(RYR1):c.5048C>T (p.Ala1683Val)

Gene: RYR1 (ryanodine receptor 1; plus strand). Cytogenetic location: 19q13.2.
Variant type: single nucleotide variant.
Coding change: c.5048C>T on transcript NM_000540.3 (MANE Select); coding-DNA position 5048, C replaced by T.
Protein change: p.Ala1683Val; replaces alanine 1683 with valine.
Molecular consequence: missense variant.
Genome position (GRCh38, 1-based): chr19:38,485,703, C>T. VCF-style: chr19-38485703-C-T. GRCh37 (hg19) VCF-style: chr19-38976343-C-T.
Other names: c.5048C>T, p.Ala1683Val (NM_001042723.2); short protein forms A1683V.
Identifiers: ClinVar variation 3387728 (VCV003387728.1).

ClinVar aggregate classification (germline): Uncertain significance (1 of 4 stars; one submission).

Conditions:
Malignant hyperthermia, susceptibility to, 1 (MHS1). Also called: Anesthesia related hyperthermia; Malignant hyperpyrexia; Fulminating hyperpyrexia; Pharmacogenic myopathy; RYR1-Related Malignant Hyperthermia Susceptibility; Malignant hyperthermia suceptibility 1. Identifiers: Orphanet 423, MedGen C2930980, MONDO:0007783, OMIM 145600.

Submission:

All of Us Research Program, National Institutes of Health
Classification: Uncertain significance for Malignant hyperthermia, susceptibility to, 1. Last evaluated: 2024-07-10. Review status: criteria provided, single submitter. Criteria: ACMG Guidelines, 2015. Collection method: clinical testing. Allele origin: germline. Inheritance: Autosomal dominant inheritance. Observed: 1 variant allele, 1 heterozygote.
Comment: This missense variant replaces alanine with valine at codon 1683 of the RYR1 protein. Computational prediction suggests that this variant may have deleterious impact on protein structure and function (internally defined REVEL score threshold >= 0.7, PMID: 27666373). To our knowledge, functional studies have not been reported for this variant. This variant has not been reported in individuals affected with RYR1-related disorders in the literature. This variant has not been identified in the general population by the Genome Aggregation Database (gnomAD). The available evidence is insufficient to determine the role of this variant in disease conclusively. Therefore, this variant is classified as a Variant of Uncertain Significance.

This study involves interpretation of variants in research participants for the purpose of population health screening. Participant phenotype was not available at the time of variant classification. Additional details can be found in publication PMID: 35346344, PMCID: PMC8962531